The following is an entry in ClinVar:

ClinVar aggregate classification (germline): Uncertain significance. Review status: criteria provided, multiple submitters, no conflicts (2 of 4 stars). 3 submissions from 3 submitters: Uncertain significance (3). Last evaluated 2024-07-26.

Conditions:
Familial hypobetalipoproteinemia 1. Also called: APOB-Related Familial Hypobetalipoproteinemia; Hypobetalipoproteinemia, normotriglyceridemic; Acanthocytosis with hypobetalipoproteinemia. Identifiers: MedGen C4551990, MONDO:0014252, OMIM 615558.
Hypercholesterolemia, autosomal dominant, type B (FHCL2). Also called: APOB-Related Familial Hypercholesterolemia, Autosomal Dominant; HYPERCHOLESTEROLEMIA, FAMILIAL, DUE TO LIGAND-DEFECTIVE APOLIPOPROTEIN B; Hyperlipoproteinemia Type IIb; Familial Hypercholesterolemia Type B; APOLIPOPROTEIN B-100, FAMILIAL DEFECTIVE; APOLIPOPROTEIN B-100, FAMILIAL LIGAND-DEFECTIVE. Identifiers: MedGen C1704417, MONDO:0007751, OMIM 144010.
Cardiovascular phenotype. Identifiers: MedGen CN230736.

Submissions (3):

Ambry Genetics
Classification: Uncertain significance for Cardiovascular phenotype. Last evaluated: 2024-07-26. Review status: criteria provided, single submitter. Criteria: Ambry Variant Classification Scheme 2023. Collection method: clinical testing. Allele origin: germline.

Labcorp Genetics (formerly Invitae), Labcorp
Classification: Uncertain significance for Familial hypobetalipoproteinemia 1; Hypercholesterolemia, autosomal dominant, type B. Last evaluated: 2022-11-15. Review status: criteria provided, single submitter. Criteria: Invitae Variant Classification Sherloc (09022015). Collection method: clinical testing. Allele origin: germline.
Comment: This sequence change replaces glycine, which is neutral and non-polar, with alanine, which is neutral and non-polar, at codon 3157 of the APOB protein (p.Gly3157Ala). This variant is not present in population databases (gnomAD no frequency). This variant has not been reported in the literature in individuals affected with APOB-related conditions. ClinVar contains an entry for this variant (Variation ID: 1341579). Advanced modeling of protein sequence and biophysical properties (such as structural, functional, and spatial information, amino acid conservation, physicochemical variation, residue mobility, and thermodynamic stability) performed at Invitae indicates that this missense variant is not expected to disrupt APOB protein function. In summary, the available evidence is currently insufficient to determine the role of this variant in disease. Therefore, it has been classified as a Variant of Uncertain Significance.

Laboratory of Inherited Metabolic Diseases, Research centre for medical genetics
Classification: Uncertain significance for Hypercholesterolemia, autosomal dominant, type B. Last evaluated: 2021-04-08. Review status: criteria provided, single submitter. Criteria: ACMG Guidelines, 2015. Collection method: clinical testing. Allele origin: unknown. Inheritance: Autosomal dominant inheritance. Affected: yes.

NM_000384.3(APOB):c.9470G>C (p.Gly3157Ala)

Gene: APOB (apolipoprotein B; minus strand). Cytogenetic location: 2p24.1.
Variant type: single nucleotide variant.
Coding change: c.9470G>C on transcript NM_000384.3 (MANE Select); coding-DNA position 9470, G replaced by C.
Protein change: p.Gly3157Ala; replaces glycine 3157 with alanine.
Molecular consequence: missense variant.
Genome position (GRCh38, 1-based): chr2:21,007,398, C>G on the plus strand (G>C on the coding strand, the complement: APOB is on the minus strand). VCF-style: chr2-21007398-C-G. GRCh37 (hg19) VCF-style: chr2-21230270-C-G.
Other names: p.Gly3157Ala; c.9470G>C (NM_000384.2); short protein forms G3157A.
Identifiers: ClinVar variation 1341579 (VCV001341579.6), dbSNP rs772429691, ClinGen allele CA345989912.
Genomic context (GRCh38, chr2:21,007,398, plus strand): 5'-TACTGAGCTTTTACACTTAAATCAAATGATTGCTTTGTCGTTTTCAAGAATTCCTTCAAG[C>G]CTGTTTTTTCCCATAGAGAGAAATCTTTCAGTGGAGGAGTTGTGATTATTGTGTAAGGTA-3'
Protein context (NP_000375.3, residues 3147-3167): LKDFSLWEKT[Gly3157Ala]LKEFLKTTKQ